The following is an entry in ClinVar:

NM_001278116.2(L1CAM):c.2105C>T (p.Pro702Leu)

Gene: L1CAM (L1 cell adhesion molecule; minus strand). Cytogenetic location: Xq28.
Variant type: single nucleotide variant.
Coding change: c.2105C>T on transcript NM_001278116.2 (MANE Select); coding-DNA position 2105, C replaced by T.
Protein change: p.Pro702Leu; replaces proline 702 with leucine.
Molecular consequence: missense variant.
Genome position (GRCh38, 1-based): chrX:153,867,388, G>A on the plus strand (C>T on the coding strand, the complement: L1CAM is on the minus strand). VCF-style: chrX-153867388-G-A. GRCh37 (hg19) VCF-style: chrX-153132843-G-A.
Other names: p.Pro702Leu; c.2105C>T (NM_000425.3); c.2105C>T, p.Pro702Leu (NM_000425.5, NM_024003.3); c.2090C>T, p.Pro697Leu (NM_001143963.2); short protein forms P697L, P702L.
Identifiers: ClinVar variation 1170875 (VCV001170875.42), dbSNP rs782568205, ClinGen allele CA10554242.
Genomic context (GRCh38, chrX:153,867,388, plus strand): 5'-CATGGGAGTGGGTGCCACCCTGACTCACCTGCCTCAGGTGTGACCACAGTCTCAGAGACC[G>A]GGCTGGGCTCCCCGGGGCCATATTTGTTTATGGCAGTAACCCTAAAGGTGTAGTGGACAT-3'
Protein context (NP_001265045.1, residues 692-712): INKYGPGEPS[Pro702Leu]VSETVVTPEA

ClinVar aggregate classification (germline): Benign/Likely benign. Review status: criteria provided, multiple submitters, no conflicts (2 of 4 stars). 4 submissions from 4 submitters: Benign (1); Likely benign (3). Last evaluated 2024-12-23.

Conditions:
Inborn genetic diseases. Identifiers: MedGen C0950123, MeSH D030342.
Spastic paraplegia. Identifiers: MedGen C0037772, HP:0001258.

Allele frequency attached by ClinVar (database versions not stated): gnomAD 0.00001 and 0.00003; TOPMed 0.00005; ExAC 0.00010; 1000 Genomes Project 0.00026; 1000 Genomes Project 30x 0.00042.
gnomAD v4.1: 93 of 1,208,680 alleles (0.0077%); highest among the groups gnomAD compares: South Asian, 0.032%; 1 homozygote.

Submissions (4):

Ambry Genetics
Classification: Likely benign for Inborn genetic diseases. Last evaluated: 2024-12-23. Review status: criteria provided, single submitter. Criteria: Ambry Variant Classification Scheme 2023. Collection method: clinical testing. Allele origin: germline.

Mayo Clinic Laboratories, Mayo Clinic
Classification: Likely benign. Last evaluated: 2024-11-12. Review status: criteria provided, single submitter. Criteria: ACMG Guidelines, 2015. Collection method: clinical testing. Allele origin: germline. Observed: 1 variant allele.
Comment: BS2, BP4

Labcorp Genetics (formerly Invitae), Labcorp
Classification: Benign for Spastic paraplegia. Last evaluated: 2024-03-03. Review status: criteria provided, single submitter. Criteria: Invitae Variant Classification Sherloc (09022015). Collection method: clinical testing. Allele origin: germline.

CeGaT Center for Human Genetics Tuebingen
Classification: Likely benign. Last evaluated: 2023-03-01. Review status: criteria provided, single submitter. Criteria: CeGaT Center For Human Genetics Tuebingen Variant Classification Criteria Version 2. Collection method: clinical testing. Allele origin: germline. Affected: yes. Observed: 1 variant allele.
Comment: L1CAM: BP4, BS2